The following is an entry in ClinVar:

ClinVar aggregate classification (germline): Pathogenic (1 of 4 stars; one submission).

Conditions:
Fabry disease. Also called: ALPHA-GALACTOSIDASE A DEFICIENCY; ANDERSON-FABRY DISEASE; CERAMIDE TRIHEXOSIDASE DEFICIENCY; GLA DEFICIENCY; HEREDITARY DYSTOPIC LIPIDOSIS; Angiokeratoma corporis diffusum. Identifiers: Orphanet 324, MedGen C0002986, MONDO:0010526, OMIM 301500, HP:0001071. Disease mechanism: Fabry disease is due to inactivating mutations in the X-linked GLA gene resulting in deficiency of the enzyme Alpha Galactosidase-A., loss of function.

Submission:

Genomenon, Inc
Classification: Pathogenic for Fabry disease. Last evaluated: 2026-09-08. Review status: criteria provided, single submitter. Criteria: Genomenon Sequence Variant Interpretation Standards - Updated. Collection method: curation. Allele origin: germline. Affected: yes.
Comment: GLA p.Cys90Trp (c.270C>G) is a missense variant that changes the amino acid at codon 90 from Cysteine to Tryptophan. This variant has been observed in at least one proband with clinical features consistent with Fabry disease (PMID:31067829). The variant was found to segregate with disease in at least one affected family (PMID:31067829). At least one functional study has demonstrated a substantial alteration in protein function relative to the wild-type (PMID:26044846). This variant is located in a mutational hotspot and/or important functional domain. It is absent or not present at a significant frequency in gnomAD. In silico models predict that this variant is possibly or probably damaging. In conclusion, we classify GLA p.Cys90Trp (c.270C>G) as a pathogenic variant.

Literature cited by the submitters: PubMed 31067829; PubMed 26044846.

NM_000169.3(GLA):c.270C>G (p.Cys90Trp)

Genes: GLA (galactosidase alpha; minus strand), RPL36A-HNRNPH2 (RPL36A-HNRNPH2 readthrough; plus strand). Cytogenetic location: Xq22.1.
Variant type: single nucleotide variant.
Coding change: c.270C>G on transcript NM_000169.3 (MANE Select); coding-DNA position 270, C replaced by G.
Protein change: p.Cys90Trp; replaces cysteine 90 with tryptophan.
Molecular consequence: missense variant. On other transcripts: non-coding transcript variant (3), intron variant (2).
Genome position (GRCh38, 1-based): chrX:101,403,910, G>C on the plus strand (C>G on the coding strand, the complement: GLA is on the minus strand). VCF-style: chrX-101403910-G-C. GRCh37 (hg19) VCF-style: chrX-100658898-G-C.
Other names: c.393C>G, p.Cys131Trp (NM_001406747.1, NM_001406749.1); c.270C>G, p.Cys90Trp (NM_001406748.1); c.301-8026G>C (NM_001199973.2); c.178-8026G>C (NM_001199974.2); short protein forms C131W, C90W.
Identifiers: ClinVar variation 4087321 (VCV004087321.2).